The following is an entry in ClinVar:

NM_000587.4(C7):c.2098C>T (p.Pro700Ser)

Gene: C7 (complement C7; plus strand). Cytogenetic location: 5p13.1.
Variant type: single nucleotide variant.
Coding change: c.2098C>T on transcript NM_000587.4 (MANE Select); coding-DNA position 2098, C replaced by T.
Protein change: p.Pro700Ser; replaces proline 700 with serine.
Molecular consequence: missense variant.
Genome position (GRCh38, 1-based): chr5:40,976,773, C>T. VCF-style: chr5-40976773-C-T. GRCh37 (hg19) VCF-style: chr5-40976875-C-T.
Other names: short protein forms P700S.
Identifiers: ClinVar variation 2878170 (VCV002878170.1), dbSNP rs1289284987, ClinGen allele CA359594250.
Genomic context (GRCh38, chr5:40,976,773, plus strand): 5'-TTCTCCTAACGACCACATCTCCCTTATCCTTTTTTAGAAAATCCGTTAACACAGGCAGTG[C>T]CTAAATGTCAGCGCTGGGAGAAACTGCAGAATTCAAGATGTGTTTGTAAAATGCCCTACG-3'
Protein context (NP_000578.2, residues 690-710): QKENPLTQAV[Pro700Ser]KCQRWEKLQN

ClinVar aggregate classification (germline): Uncertain significance (1 of 4 stars; one submission).

Allele frequency attached by ClinVar (database versions not stated): TOPMed below 0.00001; gnomAD 0.00001; gnomAD exomes 0.00001.
gnomAD v4.1: 8 of 1,603,068 alleles (0.0005%); highest among the groups gnomAD compares: Non-Finnish European, 0.0006%; no homozygotes.

Submission:

Labcorp Genetics (formerly Invitae), Labcorp
Classification: Uncertain significance. Last evaluated: 2023-12-09. Review status: criteria provided, single submitter. Criteria: Invitae Variant Classification Sherloc (09022015). Collection method: clinical testing. Allele origin: germline.
Comment: This sequence change replaces proline, which is neutral and non-polar, with serine, which is neutral and polar, at codon 700 of the C7 protein (p.Pro700Ser). The frequency data for this variant in the population databases is considered unreliable, as metrics indicate poor data quality at this position in the gnomAD database. This variant has not been reported in the literature in individuals affected with C7-related conditions. Advanced modeling of protein sequence and biophysical properties (such as structural, functional, and spatial information, amino acid conservation, physicochemical variation, residue mobility, and thermodynamic stability) performed at Invitae indicates that this missense variant is not expected to disrupt C7 protein function with a negative predictive value of 80%. In summary, the available evidence is currently insufficient to determine the role of this variant in disease. Therefore, it has been classified as a Variant of Uncertain Significance.